The following is an entry in ClinVar:

ClinVar aggregate classification (germline): Uncertain significance (1 of 4 stars; one submission).

Conditions:
DYRK1B-related disorder. Also called: DYRK1B-related condition.

Allele frequency attached by ClinVar (database versions not stated): gnomAD 0.00001; gnomAD exomes 0.00001; TOPMed 0.00001; ExAC 0.00004.

Submission:

PreventionGenetics, part of Exact Sciences
Classification: Uncertain significance for DYRK1B-related condition. Last evaluated: 2023-03-10. Review status: criteria provided, single submitter. Criteria: ACMG Guidelines, 2015. Collection method: clinical testing. Allele origin: germline.
Comment: The DYRK1B c.1297C>T variant is predicted to result in the amino acid substitution p.Arg433Cys. To our knowledge, this variant has not been reported in the literature. This variant is reported in 0.022% of alleles in individuals of African descent in gnomAD. At this time, the clinical significance of this variant is uncertain due to the absence of conclusive functional and genetic evidence.

NM_004714.3(DYRK1B):c.1297C>T (p.Arg433Cys)

Gene: DYRK1B (dual specificity tyrosine phosphorylation regulated kinase 1B; minus strand). Cytogenetic location: 19q13.2.
Variant type: single nucleotide variant.
Coding change: c.1297C>T on transcript NM_004714.3 (MANE Select); coding-DNA position 1297, C replaced by T.
Protein change: p.Arg433Cys; replaces arginine 433 with cysteine.
Molecular consequence: missense variant.
Genome position (GRCh38, 1-based): chr19:39,826,786, G>A on the plus strand (C>T on the coding strand, the complement: DYRK1B is on the minus strand). VCF-style: chr19-39826786-G-A. GRCh37 (hg19) VCF-style: chr19-40317426-G-A.
Other names: c.1177C>T, p.Arg393Cys (NM_006483.3); c.1213C>T, p.Arg405Cys (NM_006484.3); short protein forms R393C, R405C, R433C.
Identifiers: ClinVar variation 2629723 (VCV002629723.1), dbSNP rs779019532, ClinGen allele CA9434095.